The following is an entry in ClinVar:

NM_014014.5(SNRNP200):c.2755T>G (p.Trp919Gly)

Gene: SNRNP200 (small nuclear ribonucleoprotein U5 subunit 200; minus strand). Cytogenetic location: 2q11.2.
Variant type: single nucleotide variant.
Coding change: c.2755T>G on transcript NM_014014.5 (MANE Select); coding-DNA position 2755, T replaced by G.
Protein change: p.Trp919Gly; replaces tryptophan 919 with glycine.
Molecular consequence: missense variant.
Genome position (GRCh38, 1-based): chr2:96,289,984, A>C on the plus strand (T>G on the coding strand, the complement: SNRNP200 is on the minus strand). VCF-style: chr2-96289984-A-C. GRCh37 (hg19) VCF-style: chr2-96955722-A-C.
Other names: short protein forms W919G.
Identifiers: ClinVar variation 1346151 (VCV001346151.8), dbSNP rs1349533903, ClinGen allele CA347675265.

ClinVar aggregate classification (germline): Uncertain significance (1 of 4 stars; one submission).

Allele frequency attached by ClinVar (database versions not stated): TOPMed below 0.00001; gnomAD 0.00001.
gnomAD v4.1: 1 of 1,614,086 alleles (0.000062%); highest among the groups gnomAD compares: African/African-American, 0.0013%; no homozygotes.

Submission:

Labcorp Genetics (formerly Invitae), Labcorp
Classification: Uncertain significance. Last evaluated: 2024-03-01. Review status: criteria provided, single submitter. Criteria: Invitae Variant Classification Sherloc (09022015). Collection method: clinical testing. Allele origin: germline.
Comment: This sequence change replaces tryptophan, which is neutral and slightly polar, with glycine, which is neutral and non-polar, at codon 919 of the SNRNP200 protein (p.Trp919Gly). This variant is not present in population databases (gnomAD no frequency). This variant has not been reported in the literature in individuals affected with SNRNP200-related conditions. ClinVar contains an entry for this variant (Variation ID: 1346151). Advanced modeling of protein sequence and biophysical properties (such as structural, functional, and spatial information, amino acid conservation, physicochemical variation, residue mobility, and thermodynamic stability) performed at Invitae indicates that this missense variant is expected to disrupt SNRNP200 protein function with a positive predictive value of 80%. In summary, the available evidence is currently insufficient to determine the role of this variant in disease. Therefore, it has been classified as a Variant of Uncertain Significance.